The following is an entry in ClinVar:

ClinVar aggregate classification (germline): Uncertain significance (1 of 4 stars; one submission).

Conditions:
Multiple gastrointestinal atresias. Also called: Multiple intestinal atresia; FAMILIAL INTESTINAL POLYATRESIA SYNDROME. Identifiers: Orphanet 2300, MedGen C0220744, MONDO:0009465.

Allele frequency attached by ClinVar (database versions not stated): gnomAD 0.00003 and 0.00004; ExAC 0.00004; TOPMed 0.00004; gnomAD exomes 0.00006.

Submission:

Labcorp Genetics (formerly Invitae), Labcorp
Classification: Uncertain significance for Multiple gastrointestinal atresias. Last evaluated: 2022-02-10. Review status: criteria provided, single submitter. Criteria: Invitae Variant Classification Sherloc (09022015). Collection method: clinical testing. Allele origin: germline.
Comment: This sequence change replaces arginine, which is basic and polar, with glutamine, which is neutral and polar, at codon 163 of the TTC7A protein (p.Arg163Gln). This variant is present in population databases (rs781503883, gnomAD 0.08%). This variant has not been reported in the literature in individuals affected with TTC7A-related conditions. ClinVar contains an entry for this variant (Variation ID: 650347). Algorithms developed to predict the effect of missense changes on protein structure and function are either unavailable or do not agree on the potential impact of this missense change (SIFT: "Deleterious"; PolyPhen-2: "Benign"; Align-GVGD: "Class C0"). In summary, the available evidence is currently insufficient to determine the role of this variant in disease. Therefore, it has been classified as a Variant of Uncertain Significance.

NM_020458.4(TTC7A):c.488G>A (p.Arg163Gln)

Gene: TTC7A (tetratricopeptide repeat domain 7A; plus strand). Cytogenetic location: 2p21.
Variant type: single nucleotide variant.
Coding change: c.488G>A on transcript NM_020458.4 (MANE Select); coding-DNA position 488, G replaced by A.
Protein change: p.Arg163Gln; replaces arginine 163 with glutamine.
Molecular consequence: missense variant. On other transcripts: 5 prime UTR variant (1).
Genome position (GRCh38, 1-based): chr2:46,956,978, G>A. VCF-style: chr2-46956978-G-A. GRCh37 (hg19) VCF-style: chr2-47184117-G-A.
Other names: c.488G>A, p.Arg163Gln (LRG_1323t1, NM_001288951.2); c.386G>A, p.Arg129Gln (NM_001288953.2); c.-417G>A (NM_001288955.2); short protein forms R163Q, R129Q.
Identifiers: ClinVar variation 650347 (VCV000650347.8), dbSNP rs781503883, ClinGen allele CA1647175.